The following is an entry in ClinVar:

NM_000038.6(APC):c.7407T>C (p.Ser2469=)

Gene: APC (APC regulator of Wnt signaling pathway; plus strand). Cytogenetic location: 5q22.2.
Variant type: single nucleotide variant.
Coding change: c.7407T>C on transcript NM_000038.6 (MANE Select); coding-DNA position 7407, T replaced by C.
Protein change: p.Ser2469=; no amino-acid change (serine 2469 retained).
Molecular consequence: synonymous variant.
Genome position (GRCh38, 1-based): chr5:112,843,001, T>C. VCF-style: chr5-112843001-T-C. GRCh37 (hg19) VCF-style: chr5-112178698-T-C.
Other names: c.7407T>C, p.Ser2469= (NM_001127510.3, NM_001354895.2); c.7353T>C, p.Ser2451= (NM_001127511.3); c.7461T>C, p.Ser2487= (NM_001354896.2); c.7437T>C, p.Ser2479= (NM_001354897.2); c.7332T>C, p.Ser2444= (NM_001354898.2); c.7323T>C, p.Ser2441= (NM_001354899.2); c.7284T>C, p.Ser2428= (NM_001354900.2); c.7230T>C, p.Ser2410= (NM_001354901.2); and 5 more.
Identifiers: ClinVar variation 516275 (VCV000516275.19), dbSNP rs1282202968, ClinGen allele CA446210580.

ClinVar aggregate classification (germline): Benign/Likely benign. Review status: criteria provided, multiple submitters, no conflicts (2 of 4 stars). 6 submissions from 6 submitters: Benign (1); Likely benign (4). 1 of the submissions does not count toward it. Last evaluated 2024-05-26.

Conditions:
APC-related disorder. Also called: APC-related condition.
Familial adenomatous polyposis 1 (FAP1). Also called: FAMILIAL ADENOMATOUS POLYPOSIS 1, ATTENUATED; POLYPOSIS, ADENOMATOUS INTESTINAL. Identifiers: MedGen C2713442, MONDO:0021056, OMIM 175100. Disease mechanism: loss of function.
Hereditary cancer-predisposing syndrome. Also called: Hereditary Cancer Syndrome; Neoplastic Syndromes, Hereditary; Tumor predisposition; Hereditary neoplastic syndrome. Identifiers: Orphanet 140162, MedGen C0027672, MeSH D009386, MONDO:0015356.

Allele frequency attached by ClinVar (database versions not stated): gnomAD 0.00001; gnomAD exomes 0.00001; TOPMed 0.00001.
gnomAD v4.1: 5 of 1,613,978 alleles (0.00031%); highest among the groups gnomAD compares: African/African-American, 0.0067%; no homozygotes.

Submissions (6):

Labcorp Genetics (formerly Invitae), Labcorp
Classification: Likely benign for Familial adenomatous polyposis 1. Last evaluated: 2024-05-26. Review status: criteria provided, single submitter. Criteria: Invitae Variant Classification Sherloc (09022015). Collection method: clinical testing. Allele origin: germline.

Myriad Genetics, Inc.
Classification: Benign for Familial adenomatous polyposis 1. Last evaluated: 2024-04-09. Review status: criteria provided, single submitter. Criteria: Myriad Autosomal Dominant, Autosomal Recessive and X-Linked Classification Criteria (2023). Collection method: clinical testing. Allele origin: unknown.
Comment: This variant is considered benign. This variant is a silent/synonymous amino acid change and it is not expected to impact splicing.

Color Diagnostics, LLC DBA Color Health
Classification: Likely benign for Hereditary cancer-predisposing syndrome. Last evaluated: 2022-11-06. Review status: criteria provided, single submitter. Criteria: ACMG Guidelines, 2015. Collection method: clinical testing. Allele origin: germline.

Ambry Genetics
Classification: Likely benign for Hereditary cancer-predisposing syndrome. Last evaluated: 2019-09-26. Review status: criteria provided, single submitter. Criteria: Ambry Variant Classification Scheme 2023. Collection method: clinical testing. Allele origin: germline.

GeneDx
Classification: Likely benign. Last evaluated: 2017-06-27. Review status: criteria provided, single submitter. Criteria: GeneDx Variant Classification (06012015). Collection method: clinical testing. Allele origin: germline. Affected: yes.
Comment: This variant is considered likely benign or benign based on one or more of the following criteria: it is a conservative change, it occurs at a poorly conserved position in the protein, it is predicted to be benign by multiple in silico algorithms, and/or has population frequency not consistent with disease.

PreventionGenetics, part of Exact Sciences
Classification: Likely benign for APC-related condition. Last evaluated: 2019-04-24. Review status: no assertion criteria provided. Collection method: clinical testing. Allele origin: germline. Not counted in ClinVar's aggregate classification.
Comment: This variant is classified as likely benign based on ACMG/AMP sequence variant interpretation guidelines (Richards et al. 2015 PMID: 25741868, with internal and published modifications).